The following is an entry in ClinVar:

ClinVar aggregate classification (germline): Uncertain significance (1 of 4 stars; one submission).

Submission:

Labcorp Genetics (formerly Invitae), Labcorp
Classification: Uncertain significance. Last evaluated: 2022-03-04. Review status: criteria provided, single submitter. Criteria: Invitae Variant Classification Sherloc (09022015). Collection method: clinical testing. Allele origin: germline.
Comment: This sequence change replaces valine, which is neutral and non-polar, with alanine, which is neutral and non-polar, at codon 546 of the HELLS protein (p.Val546Ala). This variant is not present in population databases (gnomAD no frequency). This variant has not been reported in the literature in individuals affected with HELLS-related conditions. Algorithms developed to predict the effect of missense changes on protein structure and function (SIFT, PolyPhen-2, Align-GVGD) all suggest that this variant is likely to be tolerated. In summary, the available evidence is currently insufficient to determine the role of this variant in disease. Therefore, it has been classified as a Variant of Uncertain Significance.

NM_018063.5(HELLS):c.1637T>C (p.Val546Ala)

Gene: HELLS (helicase, lymphoid specific; plus strand). Cytogenetic location: 10q23.33.
Variant type: single nucleotide variant.
Coding change: c.1637T>C on transcript NM_018063.5 (MANE Select); coding-DNA position 1637, T replaced by C.
Protein change: p.Val546Ala; replaces valine 546 with alanine.
Molecular consequence: missense variant.
Genome position (GRCh38, 1-based): chr10:94,590,646, T>C. VCF-style: chr10-94590646-T-C. GRCh37 (hg19) VCF-style: chr10-96350403-T-C.
Other names: c.1775T>C, p.Val592Ala (NM_001289067.2); c.1589T>C, p.Val530Ala (NM_001289068.2); c.1541T>C, p.Val514Ala (NM_001289069.2); c.1343T>C, p.Val448Ala (NM_001289070.2); c.1265T>C, p.Val422Ala (NM_001289071.2); c.1247T>C, p.Val416Ala (NM_001289072.2); c.1223T>C, p.Val408Ala (NM_001289073.2); c.554T>C, p.Val185Ala (NM_001289074.2); and 1 more; short protein forms V416A, V514A, V530A, V592A, V408A, V448A, V140A, V422A.
Identifiers: ClinVar variation 2106835 (VCV002106835.4), dbSNP rs1187757266, ClinGen allele CA377666190.
Genomic context (GRCh38, chr10:94,590,646, plus strand): 5'-AAACTGTGACCATTTTTTGCATTTCCCATATATGCATTATTTGTTTTGGTAGAGCTGTTG[T>C]GGAAGTGAATATCCCTGTAGAATCTGAAGTTAATCTGAAGCTGCAGAATATAATGATGCT-3'
Protein context (NP_060533.2, residues 536-556): QPEVDRERAV[Val546Ala]EVNIPVESEV